The following is an entry in ClinVar:

ClinVar aggregate classification (germline): Uncertain significance. Review status: criteria provided, multiple submitters, no conflicts (2 of 4 stars). 2 submissions from 2 submitters: Uncertain significance (2). Last evaluated 2024-01-11.

Conditions:
Hereditary cancer-predisposing syndrome. Also called: Tumor predisposition; Hereditary neoplastic syndrome; Neoplastic Syndromes, Hereditary; Hereditary Cancer Syndrome. Identifiers: Orphanet 140162, MedGen C0027672, MeSH D009386, MONDO:0015356.
Haddad syndrome (OHD). Also called: Ondine-Hirschsprung disease. Identifiers: Orphanet 99803, MedGen C1859049, MONDO:0020493.

Allele frequency attached by ClinVar (database versions not stated): gnomAD exomes below 0.00001; ExAC 0.00001.
gnomAD v4.1: 1 of 1,609,058 alleles (0.000062%); highest among the groups gnomAD compares: South Asian, 0.0011%; no homozygotes.

Submissions (2):

Ambry Genetics
Classification: Uncertain significance for Hereditary cancer-predisposing syndrome. Last evaluated: 2024-01-11. Review status: criteria provided, single submitter. Criteria: Ambry Variant Classification Scheme 2023. Collection method: clinical testing. Allele origin: germline.
Comment: The p.V309L variant (also known as c.925G>C), located in coding exon 3 of the PHOX2B gene, results from a G to C substitution at nucleotide position 925. The valine at codon 309 is replaced by leucine, an amino acid with highly similar properties. This amino acid position is conserved. In addition, the in silico prediction for this alteration is inconclusive. Since supporting evidence is limited at this time, the clinical significance of this alteration remains unclear.

Labcorp Genetics (formerly Invitae), Labcorp
Classification: Uncertain significance for Haddad syndrome. Last evaluated: 2018-12-21. Review status: criteria provided, single submitter. Criteria: Invitae Variant Classification Sherloc (09022015). Collection method: clinical testing. Allele origin: germline.
Comment: This variant has not been reported in the literature in individuals with PHOX2B-related conditions. In summary, the available evidence is currently insufficient to determine the role of this variant in disease. Therefore, it has been classified as a Variant of Uncertain Significance. This variant is present in population databases (rs756644504, ExAC 0.007%). This sequence change replaces valine with leucine at codon 309 of the PHOX2B protein (p.Val309Leu). The valine residue is highly conserved and there is a small physicochemical difference between valine and leucine.

NM_003924.4(PHOX2B):c.925G>C (p.Val309Leu)

Gene: PHOX2B (paired like homeobox 2B; minus strand). Cytogenetic location: 4p13.
Variant type: single nucleotide variant.
Coding change: c.925G>C on transcript NM_003924.4 (MANE Select); coding-DNA position 925, G replaced by C.
Protein change: p.Val309Leu; replaces valine 309 with leucine.
Molecular consequence: missense variant.
Genome position (GRCh38, 1-based): chr4:41,745,827, C>G on the plus strand (G>C on the coding strand, the complement: PHOX2B is on the minus strand). VCF-style: chr4-41745827-C-G. GRCh37 (hg19) VCF-style: chr4-41747844-C-G.
Other names: short protein forms V309L.
Identifiers: ClinVar variation 665439 (VCV000665439.11), dbSNP rs756644504, ClinGen allele CA2901392.